The following is an entry in ClinVar:

ClinVar aggregate classification (germline): Uncertain significance (1 of 4 stars; one submission).

Conditions:
Congenital myasthenic syndrome 4B. Also called: Myasthenic syndrome, congenital, 4b, fast-channel. Identifiers: Orphanet 590, MedGen C4225369, MONDO:0014586, OMIM 616324.

Allele frequency attached by ClinVar (database versions not stated): gnomAD exomes below 0.00001.
gnomAD v4.1: 2 of 1,608,684 alleles (0.00012%); highest among the groups gnomAD compares: Non-Finnish European, 0.00017%; no homozygotes.

Submission:

Baylor Genetics
Classification: Uncertain significance for Congenital myasthenic syndrome 4B. Last evaluated: 2019-12-06. Review status: criteria provided, single submitter. Criteria: ACMG Guidelines, 2015. Collection method: clinical testing. Allele origin: unknown. Affected: yes.
Comment: This variant was determined to be of uncertain significance according to ACMG Guidelines, 2015 [PMID:25741868].

NM_000080.4(CHRNE):c.1222G>A (p.Ala408Thr)

Gene: CHRNE (cholinergic receptor nicotinic epsilon subunit; minus strand). Cytogenetic location: 17p13.2.
Variant type: single nucleotide variant.
Coding change: c.1222G>A on transcript NM_000080.4 (MANE Select); coding-DNA position 1222, G replaced by A.
Protein change: p.Ala408Thr; replaces alanine 408 with threonine.
Molecular consequence: missense variant.
Genome position (GRCh38, 1-based): chr17:4,899,105, C>T on the plus strand (G>A on the coding strand, the complement: CHRNE is on the minus strand). VCF-style: chr17-4899105-C-T. GRCh37 (hg19) VCF-style: chr17-4802400-C-T.
Other names: short protein forms A408T.
Identifiers: ClinVar variation 1028049 (VCV001028049.1), dbSNP rs1202290550, ClinGen allele CA397298759.